The following is an entry in ClinVar:

ClinVar aggregate classification (germline): Uncertain significance (1 of 4 stars; one submission).

Conditions:
Neuropathy, hereditary sensory and autonomic, type 2A (HSAN2A). Also called: ACROOSTEOLYSIS, GIACCAI TYPE; ACROOSTEOLYSIS, NEUROGENIC; MORVAN DISEASE; NEUROPATHY, CONGENITAL SENSORY; NEUROPATHY, HEREDITARY SENSORY RADICULAR, AUTOSOMAL RECESSIVE; NEUROPATHY, HEREDITARY SENSORY, TYPE IIA. Identifiers: Orphanet 970, MedGen C2752089, MONDO:0024309, OMIM 201300.
Pseudohypoaldosteronism type 2C (PHA2C). Also called: Pseudohypoaldosteronism Type IIC. Identifiers: Orphanet 757, Orphanet 88940, MedGen C1840391, MONDO:0013778, OMIM 614492.

gnomAD v4.1: 2 of 1,614,146 alleles (0.00012%); highest among the groups gnomAD compares: Non-Finnish European, 0.00017%; no homozygotes.

Submission:

Labcorp Genetics (formerly Invitae), Labcorp
Classification: Uncertain significance for Neuropathy, hereditary sensory and autonomic, type 2A; Pseudohypoaldosteronism type 2C. Last evaluated: 2024-08-20. Review status: criteria provided, single submitter. Criteria: Invitae Variant Classification Sherloc (09022015). Collection method: clinical testing. Allele origin: germline.
Comment: This sequence change replaces alanine, which is neutral and non-polar, with valine, which is neutral and non-polar, at codon 1838 of the WNK1 protein (p.Ala1838Val). This variant is not present in population databases (gnomAD no frequency). This variant has not been reported in the literature in individuals affected with WNK1-related conditions. Invitae Evidence Modeling of protein sequence and biophysical properties (such as structural, functional, and spatial information, amino acid conservation, physicochemical variation, residue mobility, and thermodynamic stability) indicates that this missense variant is not expected to disrupt WNK1 protein function with a negative predictive value of 95%. In summary, the available evidence is currently insufficient to determine the role of this variant in disease. Therefore, it has been classified as a Variant of Uncertain Significance.

NM_018979.4(WNK1):c.4757C>T (p.Ala1586Val)

Gene: WNK1 (WNK lysine deficient protein kinase 1; plus strand). Cytogenetic location: 12p13.33.
Variant type: single nucleotide variant.
Coding change: c.4757C>T on transcript NM_018979.4 (MANE Select); coding-DNA position 4757, C replaced by T.
Protein change: p.Ala1586Val; replaces alanine 1586 with valine.
Molecular consequence: missense variant.
Genome position (GRCh38, 1-based): chr12:885,561, C>T. VCF-style: chr12-885561-C-T. GRCh37 (hg19) VCF-style: chr12-994727-C-T.
Other names: c.5537C>T, p.Ala1846Val (NM_001184985.2); c.4016C>T, p.Ala1339Val (NM_014823.3); c.5513C>T, p.Ala1838Val (NM_213655.5); short protein forms A1339V, A1586V, A1838V, A1846V.
Identifiers: ClinVar variation 3753840 (VCV003753840.2).